The following is an entry in ClinVar:

NM_000124.4(ERCC6):c.2035C>T (p.Gln679Ter)

Gene: ERCC6 (ERCC excision repair 6, chromatin remodeling factor; minus strand). Cytogenetic location: 10q11.23.
Variant type: single nucleotide variant.
Coding change: c.2035C>T on transcript NM_000124.4 (MANE Select); coding-DNA position 2035, C replaced by T.
Protein change: p.Gln679Ter; replaces glutamine 679 with a stop codon.
Molecular consequence: nonsense.
Genome position (GRCh38, 1-based): chr10:49,482,821, G>A on the plus strand (C>T on the coding strand, the complement: ERCC6 is on the minus strand). VCF-style: chr10-49482821-G-A. GRCh37 (hg19) VCF-style: chr10-50690867-G-A.
Other names: c.2035C>T, p.Gln679Ter (NM_001346440.2); short protein forms Q679*.
Identifiers: ClinVar variation 1726631 (VCV001726631.2), dbSNP rs2496007406, ClinGen allele CA376724412.

ClinVar aggregate classification (germline): Likely pathogenic (1 of 4 stars; one submission).

Conditions:
Cockayne syndrome type 2 (CSB). Also called: COCKAYNE SYNDROME B; Cockayne Syndrome, Type II. Identifiers: Orphanet 191, Orphanet 90322, MedGen C0751038, MONDO:0019570, OMIM 133540.

Submission:

Myriad Genetics, Inc.
Classification: Likely pathogenic for Cockayne syndrome type 2. Last evaluated: 2021-12-29. Review status: criteria provided, single submitter. Criteria: Myriad Women's Health Autosomal Recessive and X-Linked Classification Criteria (2021). Collection method: clinical testing. Allele origin: unknown.
Comment: NM_000124.2(ERCC6):c.2035C>T(Q679*) is expected to be pathogenic in the context of ERCC6-related disorders. This variant is predicted to lead to an abnormal or absent protein product due to the creation of a premature termination codon in ERCC6, a gene where loss-of-function variants are known to be pathogenic. Please note: this variant was assessed in the context of healthy population screening.